The following is an entry in ClinVar:

NM_030773.4(TUBB1):c.1222T>A (p.Phe408Ile)

Gene: TUBB1 (tubulin beta 1 class VI; plus strand). Cytogenetic location: 20q13.32.
Variant type: single nucleotide variant.
Coding change: c.1222T>A on transcript NM_030773.4 (MANE Select); coding-DNA position 1222, T replaced by A.
Protein change: p.Phe408Ile; replaces phenylalanine 408 with isoleucine.
Molecular consequence: missense variant.
Genome position (GRCh38, 1-based): chr20:59,024,649, T>A. VCF-style: chr20-59024649-T-A. GRCh37 (hg19) VCF-style: chr20-57599704-T-A.
Other names: short protein forms F408I.
Identifiers: ClinVar variation 4774242 (VCV004774242.1).

ClinVar aggregate classification (germline): Uncertain significance (1 of 4 stars; one submission).

gnomAD v4.1: 2 of 1,614,036 alleles (0.00012%); highest among the groups gnomAD compares: Non-Finnish European, 0.00017%; no homozygotes.

Submission:

Labcorp Genetics (formerly Invitae), Labcorp
Classification: Uncertain significance. Last evaluated: 2025-08-08. Review status: criteria provided, single submitter. Criteria: Invitae Variant Classification Sherloc (09022015). Collection method: clinical testing. Allele origin: germline.
Comment: This sequence change replaces phenylalanine, which is neutral and non-polar, with isoleucine, which is neutral and non-polar, at codon 408 of the TUBB1 protein (p.Phe408Ile). This variant is not present in population databases (gnomAD no frequency). This variant has not been reported in the literature in individuals affected with TUBB1-related conditions. Invitae Evidence Modeling of protein sequence and biophysical properties (such as structural, functional, and spatial information, amino acid conservation, physicochemical variation, residue mobility, and thermodynamic stability) indicates that this missense variant is expected to disrupt TUBB1 protein function with a positive predictive value of 80%. In summary, the available evidence is currently insufficient to determine the role of this variant in disease. Therefore, it has been classified as a Variant of Uncertain Significance.